The following is an entry in ClinVar:

NM_001037.5(SCN1B):c.448+679A>C

Gene: SCN1B (sodium voltage-gated channel beta subunit 1; plus strand). Cytogenetic location: 19q13.11.
Variant type: single nucleotide variant.
Coding change: c.448+679A>C on transcript NM_001037.5 (MANE Select); 679 bases into the intron after coding-DNA position 448, A replaced by C.
Molecular consequence: intron variant. On other transcripts: 3 prime UTR variant (1).
Genome position (GRCh38, 1-based): chr19:35,034,418, A>C. VCF-style: chr19-35034418-A-C. GRCh37 (hg19) VCF-style: chr19-35525322-A-C.
Other names: c.*320A>C (NM_199037.5); c.349+679A>C (NM_001321605.2).
Identifiers: ClinVar variation 683811 (VCV000683811.1), dbSNP rs61377791, ClinGen allele CA14688299.

ClinVar aggregate classification (germline): Benign (1 of 4 stars; one submission).

Allele frequency attached by ClinVar (database versions not stated): 1000 Genomes Project 30x 0.22189; 1000 Genomes Project 0.22424; TOPMed 0.27700; gnomAD 0.28070 and 0.28334.
gnomAD v4.1: 109,343 of 392,006 alleles (28%); highest among the groups gnomAD compares: Middle Eastern, 43%; 16,748 homozygotes.

Submission:

GeneDx
Classification: Benign. Last evaluated: 2018-06-18. Review status: criteria provided, single submitter. Criteria: GeneDx Variant Classification (06012015). Collection method: clinical testing. Allele origin: germline. Affected: yes.
Comment: This variant is considered likely benign or benign based on one or more of the following criteria: it is a conservative change, it occurs at a poorly conserved position in the protein, it is predicted to be benign by multiple in silico algorithms, and/or has population frequency not consistent with disease.